The following is an entry in ClinVar:

ClinVar aggregate classification (germline): Uncertain significance (1 of 4 stars; one submission).

Submission:

Labcorp Genetics (formerly Invitae), Labcorp
Classification: Uncertain significance. Last evaluated: 2023-08-04. Review status: criteria provided, single submitter. Criteria: Invitae Variant Classification Sherloc (09022015). Collection method: clinical testing. Allele origin: germline.
Comment: In summary, the available evidence is currently insufficient to determine the role of this variant in disease. Therefore, it has been classified as a Variant of Uncertain Significance. This sequence change replaces glycine, which is neutral and non-polar, with valine, which is neutral and non-polar, at codon 765 of the SLC24A1 protein (p.Gly765Val). This variant is not present in population databases (gnomAD no frequency). This variant has not been reported in the literature in individuals affected with SLC24A1-related conditions. ClinVar contains an entry for this variant (Variation ID: 1395931). An algorithm developed to predict the effect of missense changes on protein structure and function (PolyPhen-2) suggests that this variant is likely to be tolerated.

NM_004727.3(SLC24A1):c.2294G>T (p.Gly765Val)

Gene: SLC24A1 (solute carrier family 24 member 1; plus strand). Cytogenetic location: 15q22.31.
Variant type: single nucleotide variant.
Coding change: c.2294G>T on transcript NM_004727.3 (MANE Select); coding-DNA position 2294, G replaced by T.
Protein change: p.Gly765Val; replaces glycine 765 with valine.
Molecular consequence: missense variant.
Genome position (GRCh38, 1-based): chr15:65,650,443, G>T. VCF-style: chr15-65650443-G-T. GRCh37 (hg19) VCF-style: chr15-65942781-G-T.
Other names: c.275G>T, p.Gly92Val (NM_001254740.2); c.2294G>T, p.Gly765Val (NM_001301031.1); c.2240G>T, p.Gly747Val (NM_001301032.1, NM_001301033.2); short protein forms G747V, G765V, G92V.
Identifiers: ClinVar variation 1395931 (VCV001395931.6), dbSNP rs1168537576, ClinGen allele CA392898774.